The following is an entry in ClinVar:

NM_001134831.2(AHI1):c.2722G>A (p.Gly908Arg)

Gene: AHI1 (Abelson helper integration site 1; minus strand). Cytogenetic location: 6q23.3.
Variant type: single nucleotide variant.
Coding change: c.2722G>A on transcript NM_001134831.2 (MANE Select); coding-DNA position 2722, G replaced by A.
Protein change: p.Gly908Arg; replaces glycine 908 with arginine.
Molecular consequence: missense variant.
Genome position (GRCh38, 1-based): chr6:135,427,209, C>T on the plus strand (G>A on the coding strand, the complement: AHI1 is on the minus strand). VCF-style: chr6-135427209-C-T. GRCh37 (hg19) VCF-style: chr6-135748347-C-T.
Other names: c.2722G>A, p.Gly908Arg (NM_001134830.2, NM_001134832.2, NM_001350503.2 and 2 more transcripts); short protein forms G908R.
Identifiers: ClinVar variation 661840 (VCV000661840.9), dbSNP rs1583179946, ClinGen allele CA365741075.

ClinVar aggregate classification (germline): Uncertain significance (1 of 4 stars; one submission).

Conditions:
Joubert syndrome. Also called: Familial aplasia of the vermis; CEREBELLOPARENCHYMAL DISORDER IV; JOUBERT-BOLTSHAUSER SYNDROME. Identifiers: Orphanet 475, MedGen C5979921, MONDO:0018772.

Submission:

Labcorp Genetics (formerly Invitae), Labcorp
Classification: Uncertain significance for Joubert syndrome. Last evaluated: 2018-12-19. Review status: criteria provided, single submitter. Criteria: Invitae Variant Classification Sherloc (09022015). Collection method: clinical testing. Allele origin: germline.
Comment: In summary, the available evidence is currently insufficient to determine the role of this variant in disease. Therefore, it has been classified as a Variant of Uncertain Significance. Algorithms developed to predict the effect of sequence changes on RNA splicing suggest that this variant may create or strengthen a splice site, but this prediction has not been confirmed by published transcriptional studies. Algorithms developed to predict the effect of missense changes on protein structure and function are either unavailable or do not agree on the potential impact of this missense change (SIFT: "Deleterious"; PolyPhen-2: "Probably Damaging"; Align-GVGD: "Class C0"). This variant has not been reported in the literature in individuals with AHI1-related conditions. This variant is not present in population databases (ExAC no frequency). This sequence change replaces glycine with arginine at codon 908 of the AHI1 protein (p.Gly908Arg). The glycine residue is moderately conserved and there is a moderate physicochemical difference between glycine and arginine.